The following is an entry in ClinVar:

ClinVar aggregate classification (germline): Uncertain significance. Review status: criteria provided, multiple submitters, no conflicts (2 of 4 stars). 2 submissions from 2 submitters: Uncertain significance (2). Last evaluated 2025-12-02.

Conditions:
Tuberous sclerosis 1 (TSC1). Identifiers: Orphanet 805, MedGen C1854465, MONDO:0008612, OMIM 191100.
Hereditary cancer-predisposing syndrome. Also called: Hereditary neoplastic syndrome; Neoplastic Syndromes, Hereditary; Tumor predisposition; Hereditary Cancer Syndrome. Identifiers: Orphanet 140162, MedGen C0027672, MeSH D009386, MONDO:0015356.

Submissions (2):

Ambry Genetics
Classification: Uncertain significance for Hereditary cancer-predisposing syndrome. Last evaluated: 2025-12-02. Review status: criteria provided, single submitter. Criteria: Ambry Variant Classification Scheme 2023. Collection method: clinical testing. Allele origin: germline.
Comment: The p.E626K variant (also known as c.1876G>A), located in coding exon 13 of the TSC1 gene, results from a G to A substitution at nucleotide position 1876. The glutamic acid at codon 626 is replaced by lysine, an amino acid with similar properties. This amino acid position is highly conserved in available vertebrate species. In addition, the in silico prediction for this alteration is inconclusive. Based on the available evidence, the clinical significance of this variant remains unclear.

Labcorp Genetics (formerly Invitae), Labcorp
Classification: Uncertain significance for Tuberous sclerosis 1. Last evaluated: 2020-06-22. Review status: criteria provided, single submitter. Criteria: Invitae Variant Classification Sherloc (09022015). Collection method: clinical testing. Allele origin: germline.
Comment: In summary, the available evidence is currently insufficient to determine the role of this variant in disease. Therefore, it has been classified as a Variant of Uncertain Significance. Algorithms developed to predict the effect of missense changes on protein structure and function are either unavailable or do not agree on the potential impact of this missense change (SIFT: "Deleterious"; PolyPhen-2: "Possibly Damaging"; Align-GVGD: "Class C0"). This variant has been observed in an individual with an unspecified kidney tumor (PMID: 30548481). This variant is not present in population databases (ExAC no frequency). This sequence change replaces glutamic acid with lysine at codon 626 of the TSC1 protein (p.Glu626Lys). The glutamic acid residue is highly conserved and there is a small physicochemical difference between glutamic acid and lysine.

Literature cited by the submitters: PubMed 30548481 (cited by Labcorp Genetics (formerly Invitae), Labcorp).

NM_000368.5(TSC1):c.1876G>A (p.Glu626Lys)

Gene: TSC1 (TSC complex subunit 1; minus strand). Cytogenetic location: 9q34.13.
Variant type: single nucleotide variant.
Coding change: c.1876G>A on transcript NM_000368.5 (MANE Select); coding-DNA position 1876, G replaced by A.
Protein change: p.Glu626Lys; replaces glutamic acid 626 with lysine.
Molecular consequence: missense variant.
Genome position (GRCh38, 1-based): chr9:132,905,702, C>T on the plus strand (G>A on the coding strand, the complement: TSC1 is on the minus strand). VCF-style: chr9-132905702-C-T. GRCh37 (hg19) VCF-style: chr9-135781089-C-T.
Other names: c.1876G>A (NM_000368.4); c.1873G>A, p.Glu625Lys (NM_001162426.2); c.1723G>A, p.Glu575Lys (NM_001162427.2); c.1513G>A, p.Glu505Lys (NM_001362177.2); short protein forms E505K, E575K, E625K, E626K.
Identifiers: ClinVar variation 1025979 (VCV001025979.9), dbSNP rs397514815, ClinGen allele CA375363000.